The following is an entry in ClinVar:

NM_002471.4(MYH6):c.3713A>C (p.Glu1238Ala)

Gene: MYH6 (myosin heavy chain 6; minus strand). Cytogenetic location: 14q11.2.
Variant type: single nucleotide variant.
Coding change: c.3713A>C on transcript NM_002471.4 (MANE Select); coding-DNA position 3713, A replaced by C.
Protein change: p.Glu1238Ala; replaces glutamic acid 1238 with alanine.
Molecular consequence: missense variant.
Genome position (GRCh38, 1-based): chr14:23,390,076, T>G on the plus strand (A>C on the coding strand, the complement: MYH6 is on the minus strand). VCF-style: chr14-23390076-T-G. GRCh37 (hg19) VCF-style: chr14-23859285-T-G.
Other names: short protein forms E1238A.
Identifiers: ClinVar variation 3222335 (VCV003222335.1), dbSNP rs2502159071, ClinGen allele CA389005115.
Genomic context (GRCh38, chr14:23,390,076, plus strand): 5'-TGTGCAGGGGAGAGGGCGAGGGGAGGCCGAGCAGAGCCTGCCTTGGCCTTGATGATCTGC[T>G]CCATGTTGGAGGTGACGTCATCCAGCTCCAGCTTGAACTCGCTCTTCTCCTTCTCCAGCT-3'
Protein context (NP_002462.2, residues 1228-1248): LELDDVTSNM[Glu1238Ala]QIIKAKANLE

ClinVar aggregate classification (germline): Uncertain significance (1 of 4 stars; one submission).

Conditions:
Cardiovascular phenotype. Identifiers: MedGen CN230736.

Submission:

Ambry Genetics
Classification: Uncertain significance for Cardiovascular phenotype. Last evaluated: 2023-10-02. Review status: criteria provided, single submitter. Criteria: Ambry Variant Classification Scheme 2023. Collection method: clinical testing. Allele origin: germline.
Comment: The p.E1238A variant (also known as c.3713A>C), located in coding exon 24 of the MYH6 gene, results from an A to C substitution at nucleotide position 3713. The glutamic acid at codon 1238 is replaced by alanine, an amino acid with dissimilar properties. This amino acid position is conserved. In addition, this alteration is predicted to be deleterious by in silico analysis. Since supporting evidence is limited at this time, the clinical significance of this alteration remains unclear.